The following is an entry in ClinVar:

ClinVar aggregate classification (germline): Pathogenic (1 of 4 stars; one submission).

Submission:

Labcorp Genetics (formerly Invitae), Labcorp
Classification: Pathogenic. Last evaluated: 2023-08-14. Review status: criteria provided, single submitter. Criteria: Invitae Variant Classification Sherloc (09022015). Collection method: clinical testing. Allele origin: unknown.
Comment: For these reasons, this variant has been classified as Pathogenic. This variant is a gross deletion of the genomic region encompassing exon(s) 10 of the ELP1 gene. This deletion is out-of-frame, and is expected to create a premature termination codon and result in an absent or disrupted protein product. Loss-of-function variants in ELP1 are known to be pathogenic (PMID: 18303054, 24173031). This variant has not been reported in the literature in individuals affected with ELP1-related conditions.

Literature cited by the submitters: PubMed 18303054; PubMed 24173031.

NC_000009.11:g.(?_111678464)_(111678597_?)del

Gene: ELP1 (elongator acetyltransferase complex subunit 1; minus strand). Cytogenetic location: 9q31.3.
Variant type: Deletion.
Identifiers: ClinVar variation 3245319 (VCV003245319.1).